The following is an entry in ClinVar:

NM_000384.3(APOB):c.44_49del (p.Pro15_Ala16del)

Genes: APOB (apolipoprotein B; minus strand), LOC106560211 (APOB 5' regulatory region; plus strand). Cytogenetic location: 2p24.1.
Variant type: Deletion.
Coding change: c.44_49del on transcript NM_000384.3 (MANE Select); coding-DNA positions 44 to 49, 6 bases deleted (CTGCGC; older notation c.44_49delCTGCGC).
Protein change: p.Pro15_Ala16del.
Molecular consequence: inframe deletion.
Genome position (GRCh38, 1-based): chr2:21,043,897-21,043,902, GCGCAG deleted on the plus strand (CTGCGC on the coding strand, the reverse complement: APOB is on the minus strand); deleting any 6 consecutive bases within chr2:21,043,897-21,043,904 gives the same sequence; the c. name uses the placement nearest the transcript's 3' end. VCF-style (leftmost placement, unchanged base first): chr2-21043896-AGCGCAG-A. GRCh37 (hg19) VCF-style: chr2-21266768-AGCGCAG-A.
Other names: c.44_49delCTGCGC (NM_000384.2); c.44_49del (NM_000384.2).
Identifiers: ClinVar variation 2049416 (VCV002049416.5), dbSNP rs1197289618, ClinGen allele CA530861056.

ClinVar aggregate classification (germline): Uncertain significance. Review status: criteria provided, multiple submitters, no conflicts (2 of 4 stars). 4 submissions from 4 submitters: Uncertain significance (4). Last evaluated 2026-08-27.

Conditions:
Hypercholesterolemia, autosomal dominant, type B (FHCL2). Also called: Familial Hypercholesterolemia Type B; APOLIPOPROTEIN B-100, FAMILIAL DEFECTIVE; APOLIPOPROTEIN B-100, FAMILIAL LIGAND-DEFECTIVE; HYPERCHOLESTEROLEMIA, FAMILIAL, DUE TO LIGAND-DEFECTIVE APOLIPOPROTEIN B; APOB-Related Familial Hypercholesterolemia, Autosomal Dominant; Hyperlipoproteinemia Type IIb. Identifiers: MedGen C1704417, MONDO:0007751, OMIM 144010.
Familial hypobetalipoproteinemia 1. Also called: Acanthocytosis with hypobetalipoproteinemia; Hypobetalipoproteinemia, normotriglyceridemic; APOB-Related Familial Hypobetalipoproteinemia. Identifiers: MedGen C4551990, MONDO:0014252, OMIM 615558.
Familial hypercholesterolemia. Also called: Familial hypercholesterolaemia; Familial hypercholesterolemias. Identifiers: MedGen C0020445, MONDO:0005439.
Cardiovascular phenotype. Identifiers: MedGen CN230736.

Submissions (4):

Cambridge Genomics Laboratory, East Genomic Laboratory Hub, NHS Genomic Medicine Service
Classification: Uncertain significance for Familial hypercholesterolaemia. Last evaluated: 2026-08-27. Review status: criteria provided, single submitter. Criteria: ACGS Best Practice Guidelines for Variant Classification in Rare Disease 2020. Collection method: clinical testing. Allele origin: germline. Affected: yes.

Labcorp Genetics (formerly Invitae), Labcorp
Classification: Uncertain significance for Familial hypobetalipoproteinemia 1; Hypercholesterolemia, autosomal dominant, type B. Last evaluated: 2026-01-04. Review status: criteria provided, single submitter. Criteria: Invitae Variant Classification Sherloc (09022015). Collection method: clinical testing. Allele origin: germline.
Comment: This variant, c.44_49del, results in the deletion of 2 amino acid(s) of the APOB protein (p.Pro15_Ala16del), but otherwise preserves the integrity of the reading frame. The frequency data for this variant in the population databases is considered unreliable, as metrics indicate poor data quality at this position in the gnomAD database. This variant has not been reported in the literature in individuals affected with APOB-related conditions. ClinVar contains an entry for this variant (Variation ID: 2049416). Experimental studies and prediction algorithms are not available or were not evaluated, and the functional significance of this variant is currently unknown. In summary, the available evidence is currently insufficient to determine the role of this variant in disease. Therefore, it has been classified as a Variant of Uncertain Significance.

Ambry Genetics
Classification: Uncertain significance for Cardiovascular phenotype. Last evaluated: 2025-02-07. Review status: criteria provided, single submitter. Criteria: Ambry Variant Classification Scheme 2023. Collection method: clinical testing. Allele origin: germline.
Comment: The c.44_49delCTGCGC variant (also known as p.P15_A16del) is located in coding exon 1 of the APOB gene. This variant results from an in-frame CTGCGC deletion at nucleotide positions 44 to 49. This results in the in-frame deletion two amino acids at codons 15 and 16. These amino acid positions are conserved on limited sequence alignment. In addition, this alteration is predicted to be neutral by in silico analysis (Choi Y et al. PLoS ONE. 2012; 7(10):e46688). Based on the available evidence, the clinical significance of this variant remains unclear.

Quest Diagnostics Nichols Institute San Juan Capistrano
Classification: Uncertain significance. Last evaluated: 2024-09-03. Review status: criteria provided, single submitter. Criteria: Quest Diagnostics criteria. Collection method: clinical testing. Allele origin: unknown.
Comment: The APOB c.44_49del (p.Pro15_Ala16del) and c.35_36delinsCT (p.Leu12Pro) complex allele has not been reported in individuals with APOB-related conditions in the published literature. It also has not been reported in large, multi-ethnic general populations (Genome Aggregation Database). Based on the available information, we are unable to determine the clinical significance of this variant.